The following is an entry in ClinVar:

NM_024529.5(CDC73):c.1165T>A (p.Ser389Thr)

Gene: CDC73 (cell division cycle 73; plus strand). Cytogenetic location: 1q31.2.
Variant type: single nucleotide variant.
Coding change: c.1165T>A on transcript NM_024529.5 (MANE Select); coding-DNA position 1165, T replaced by A.
Protein change: p.Ser389Thr; replaces serine 389 with threonine.
Molecular consequence: missense variant.
Genome position (GRCh38, 1-based): chr1:193,233,003, T>A. VCF-style: chr1-193233003-T-A. GRCh37 (hg19) VCF-style: chr1-193202133-T-A.
Other names: short protein forms S389T.
Identifiers: ClinVar variation 861013 (VCV000861013.11), dbSNP rs1677687458, ClinGen allele CA344077728.
Genomic context (GRCh38, chr1:193,233,003, plus strand): 5'-TTTCATCACGTGGAATACATTGACTTTTTCTCATCTCTGTTTTTTCAAAGATTTGTCCCA[T>A]CAGATGAAAAGAAGAAACAAGGTTGTCAACGAGAAAATGAAACTCTAATACAAAGAAGAA-3'
Protein context (NP_078805.3, residues 379-399): DLLQDLKFVP[Ser389Thr]DEKKKQGCQR

ClinVar aggregate classification (germline): Uncertain significance (1 of 4 stars; one submission).

Conditions:
Parathyroid carcinoma (PRTC). Also called: Parathyroid gland carcinoma; CDC73-Related Parathyroid Carcinoma. Identifiers: Orphanet 143, MedGen C0687150, MONDO:0012004, OMIM 608266, HP:0006780.

Submission:

Labcorp Genetics (formerly Invitae), Labcorp
Classification: Uncertain significance for Parathyroid carcinoma. Last evaluated: 2019-12-30. Review status: criteria provided, single submitter. Criteria: Invitae Variant Classification Sherloc (09022015). Collection method: clinical testing. Allele origin: germline.
Comment: In summary, the available evidence is currently insufficient to determine the role of this variant in disease. Therefore, it has been classified as a Variant of Uncertain Significance. Algorithms developed to predict the effect of missense changes on protein structure and function (SIFT, PolyPhen-2, Align-GVGD) all suggest that this variant is likely to be tolerated, but these predictions have not been confirmed by published functional studies and their clinical significance is uncertain. This variant has not been reported in the literature in individuals with CDC73-related conditions. This variant is not present in population databases (ExAC no frequency). This sequence change replaces serine with threonine at codon 389 of the CDC73 protein (p.Ser389Thr). The serine residue is moderately conserved and there is a small physicochemical difference between serine and threonine.